The following is an entry in ClinVar:

NM_000458.4(HNF1B):c.187C>T (p.His63Tyr)

Gene: HNF1B (HNF1 homeobox B; minus strand). Cytogenetic location: 17q12.
Variant type: single nucleotide variant.
Coding change: c.187C>T on transcript NM_000458.4 (MANE Select); coding-DNA position 187, C replaced by T.
Protein change: p.His63Tyr; replaces histidine 63 with tyrosine.
Molecular consequence: missense variant.
Genome position (GRCh38, 1-based): chr17:37,744,698, G>A on the plus strand (C>T on the coding strand, the complement: HNF1B is on the minus strand). VCF-style: chr17-37744698-G-A. GRCh37 (hg19) VCF-style: chr17-36104689-G-A.
Other names: c.187C>T, p.His63Tyr (NM_001165923.4, NM_001304286.2, NM_001411100.1); short protein forms H63Y.
Identifiers: ClinVar variation 4809863 (VCV004809863.1).
Genomic context (GRCh38, chr17:37,744,698, plus strand): 5'-CGTCCTCGGAGCCCTCGTCGCCGGACAAGCGGCCCTTGGCGTGGCCGTTGGTGAGAGTAT[G>A]GAAGACCGGCTTGGTGTCGGGCTCGGCCCCGCTGCCAGGGGACAGGGGCAGCGTCTCCAG-3'
Protein context (NP_000449.1, residues 53-73): GAEPDTKPVF[His63Tyr]TLTNGHAKGR

ClinVar aggregate classification (germline): Uncertain significance (1 of 4 stars; one submission).

gnomAD v4.1: 7 of 1,613,586 alleles (0.00043%); highest among the groups gnomAD compares: South Asian, 0.0066%; no homozygotes.

Submission:

Labcorp Genetics (formerly Invitae), Labcorp
Classification: Uncertain significance. Last evaluated: 2025-03-30. Review status: criteria provided, single submitter. Criteria: Invitae Variant Classification Sherloc (09022015). Collection method: clinical testing. Allele origin: germline.
Comment: This sequence change replaces histidine, which is basic and polar, with tyrosine, which is neutral and polar, at codon 63 of the HNF1B protein (p.His63Tyr). This variant is present in population databases (rs756043181, gnomAD 0.006%). This variant has not been reported in the literature in individuals affected with HNF1B-related conditions. Invitae Evidence Modeling of protein sequence and biophysical properties (such as structural, functional, and spatial information, amino acid conservation, physicochemical variation, residue mobility, and thermodynamic stability) has been performed for this missense variant. However, the output from this modeling did not meet the statistical confidence thresholds required to predict the impact of this variant on HNF1B protein function. In summary, the available evidence is currently insufficient to determine the role of this variant in disease. Therefore, it has been classified as a Variant of Uncertain Significance.